The following is an entry in ClinVar:

ClinVar aggregate classification (germline): Uncertain significance. Review status: criteria provided, multiple submitters, no conflicts (2 of 4 stars). 3 submissions from 3 submitters: Uncertain significance (3). Last evaluated 2025-12-21.

Conditions:
Hereditary cancer-predisposing syndrome. Also called: Neoplastic Syndromes, Hereditary; Tumor predisposition; Hereditary Cancer Syndrome; Hereditary neoplastic syndrome. Identifiers: Orphanet 140162, MedGen C0027672, MeSH D009386, MONDO:0015356.
Familial adenomatous polyposis 1 (FAP1). Also called: FAMILIAL ADENOMATOUS POLYPOSIS 1, ATTENUATED; POLYPOSIS, ADENOMATOUS INTESTINAL. Identifiers: MedGen C2713442, MONDO:0021056, OMIM 175100. Disease mechanism: loss of function.

Submissions (3):

Labcorp Genetics (formerly Invitae), Labcorp
Classification: Uncertain significance for Familial adenomatous polyposis 1. Last evaluated: 2025-12-21. Review status: criteria provided, single submitter. Criteria: Invitae Variant Classification Sherloc (09022015). Collection method: clinical testing. Allele origin: germline.
Comment: This sequence change replaces serine, which is neutral and polar, with proline, which is neutral and non-polar, at codon 2300 of the APC protein (p.Ser2300Pro). This variant is not present in population databases (gnomAD no frequency). This variant has not been reported in the literature in individuals affected with APC-related conditions. ClinVar contains an entry for this variant (Variation ID: 920556). Invitae Evidence Modeling of protein sequence and biophysical properties (such as structural, functional, and spatial information, amino acid conservation, physicochemical variation, residue mobility, and thermodynamic stability) indicates that this missense variant is not expected to disrupt APC protein function with a negative predictive value of 95%. In summary, the available evidence is currently insufficient to determine the role of this variant in disease. Therefore, it has been classified as a Variant of Uncertain Significance.

Color Diagnostics, LLC DBA Color Health
Classification: Uncertain significance for Hereditary cancer-predisposing syndrome. Last evaluated: 2024-03-07. Review status: criteria provided, single submitter. Criteria: ACMG Guidelines, 2015. Collection method: clinical testing. Allele origin: germline.
Comment: This missense variant replaces serine with proline at codon 2300 of the APC protein. Computational prediction is inconclusive regarding the impact of this variant on protein structure and function (internally defined REVEL score threshold 0.5 < inconclusive < 0.7, PMID: 27666373). Splice site prediction tools suggest that this variant may not impact RNA splicing. To our knowledge, functional studies have not been performed for this variant. This variant has not been reported in individuals affected with hereditary cancer in the literature. This variant has not been identified in the general population by the Genome Aggregation Database (gnomAD). The available evidence is insufficient to determine the role of this variant in disease conclusively. Therefore, this variant is classified as a Variant of Uncertain Significance.

Ambry Genetics
Classification: Uncertain significance for Hereditary cancer-predisposing syndrome. Last evaluated: 2023-02-17. Review status: criteria provided, single submitter. Criteria: Ambry Variant Classification Scheme 2023. Collection method: clinical testing. Allele origin: germline.
Comment: The p.S2300P variant (also known as c.6898T>C), located in coding exon 15 of the APC gene, results from a T to C substitution at nucleotide position 6898. The serine at codon 2300 is replaced by proline, an amino acid with similar properties. This amino acid position is conserved. In addition, in silico predictors for this gene do not accurately predict pathogenicity. Since supporting evidence is limited at this time, the clinical significance of this alteration remains unclear.

NM_000038.6(APC):c.6898T>C (p.Ser2300Pro)

Gene: APC (APC regulator of Wnt signaling pathway; plus strand). Cytogenetic location: 5q22.2.
Variant type: single nucleotide variant.
Coding change: c.6898T>C on transcript NM_000038.6 (MANE Select); coding-DNA position 6898, T replaced by C.
Protein change: p.Ser2300Pro; replaces serine 2300 with proline.
Molecular consequence: missense variant.
Genome position (GRCh38, 1-based): chr5:112,842,492, T>C. VCF-style: chr5-112842492-T-C. GRCh37 (hg19) VCF-style: chr5-112178189-T-C.
Other names: c.6898T>C, p.Ser2300Pro (NM_001127510.3, NM_001354895.2); c.6844T>C, p.Ser2282Pro (NM_001127511.3); c.6952T>C, p.Ser2318Pro (NM_001354896.2); c.6928T>C, p.Ser2310Pro (NM_001354897.2); c.6823T>C, p.Ser2275Pro (NM_001354898.2); c.6814T>C, p.Ser2272Pro (NM_001354899.2); c.6775T>C, p.Ser2259Pro (NM_001354900.2); c.6721T>C, p.Ser2241Pro (NM_001354901.2); and 5 more; short protein forms S2199P, S2272P, S2140P, S2241P, S2318P, S2174P, S2275P, S2310P.
Identifiers: ClinVar variation 920556 (VCV000920556.17), dbSNP rs1766329011, ClinGen allele CA16036382.